The following is an entry in ClinVar:

ClinVar aggregate classification (germline): Uncertain significance (1 of 4 stars; one submission).

Conditions:
Immunodeficiency due to CD25 deficiency. Also called: IL2RA DEFICIENCY; CD25 DEFICIENCY; IMMUNODEFICIENCY 41 WITH LYMPHOPROLIFERATION AND AUTOIMMUNITY. Identifiers: Orphanet 169100, MedGen C1853392, MONDO:0011664, OMIM 606367.

Allele frequency attached by ClinVar (database versions not stated): gnomAD exomes 0.00001; TOPMed 0.00001.
gnomAD v4.1: 10 of 1,614,096 alleles (0.00062%); highest among the groups gnomAD compares: African/African-American, 0.0013%; no homozygotes.

Submission:

Labcorp Genetics (formerly Invitae), Labcorp
Classification: Uncertain significance for Immunodeficiency due to CD25 deficiency. Last evaluated: 2024-10-21. Review status: criteria provided, single submitter. Criteria: Invitae Variant Classification Sherloc (09022015). Collection method: clinical testing. Allele origin: germline.
Comment: This sequence change replaces arginine, which is basic and polar, with cysteine, which is neutral and slightly polar, at codon 56 of the IL2RA protein (p.Arg56Cys). This variant is not present in population databases (gnomAD no frequency). This variant has not been reported in the literature in individuals affected with IL2RA-related conditions. ClinVar contains an entry for this variant (Variation ID: 1052777). Invitae Evidence Modeling of protein sequence and biophysical properties (such as structural, functional, and spatial information, amino acid conservation, physicochemical variation, residue mobility, and thermodynamic stability) has been performed for this missense variant. However, the output from this modeling did not meet the statistical confidence thresholds required to predict the impact of this variant on IL2RA protein function. In summary, the available evidence is currently insufficient to determine the role of this variant in disease. Therefore, it has been classified as a Variant of Uncertain Significance.

NM_000417.3(IL2RA):c.166C>T (p.Arg56Cys)

Gene: IL2RA (interleukin 2 receptor subunit alpha; minus strand). Cytogenetic location: 10p15.1.
Variant type: single nucleotide variant.
Coding change: c.166C>T on transcript NM_000417.3 (MANE Select); coding-DNA position 166, C replaced by T.
Protein change: p.Arg56Cys; replaces arginine 56 with cysteine.
Molecular consequence: missense variant.
Genome position (GRCh38, 1-based): chr10:6,025,924, G>A on the plus strand (C>T on the coding strand, the complement: IL2RA is on the minus strand). VCF-style: chr10-6025924-G-A. GRCh37 (hg19) VCF-style: chr10-6067887-G-A.
Other names: c.166C>T, p.Arg56Cys (NM_001308242.2, NM_001308243.2); short protein forms R56C.
Identifiers: ClinVar variation 1052777 (VCV001052777.9), dbSNP rs1839476725, ClinGen allele CA375930527.
Genomic context (GRCh38, chr10:6,025,924, plus strand): 5'-AGGACGAGTGGCTAGAGTTTCCTGTACAGAGCATATAGAGTGACCCGCTTTTTATTCTGC[G>A]GAAACCTCTCTTGCATTCACAGTTCAACATGGTTCCTTCCTTGTAGGCCATGGCTTTGAA-3'
Protein context (NP_000408.1, residues 46-66): MLNCECKRGF[Arg56Cys]RIKSGSLYML